The following is an entry in ClinVar:

ClinVar aggregate classification (germline): Conflicting classifications of pathogenicity. Review status: criteria provided, conflicting classifications (1 of 4 stars). 2 submissions from 2 submitters: Likely pathogenic (1); Uncertain significance (1). Last evaluated 2024-10-04.

Conditions:
Inborn genetic diseases. Identifiers: MedGen C0950123, MeSH D030342.
Developmental and epileptic encephalopathy 99. Identifiers: MedGen C5562018, MONDO:0030473, OMIM 619606.

Submissions (2):

Ambry Genetics
Classification: Uncertain significance for Inborn genetic diseases. Last evaluated: 2024-10-04. Review status: criteria provided, single submitter. Criteria: Ambry Variant Classification Scheme 2023. Collection method: clinical testing. Allele origin: germline.
Comment: The c.943A>T (p.I315F) alteration is located in exon 8 (coding exon 8) of the ATP1A3 gene. This alteration results from an A to T substitution at nucleotide position 943, causing the isoleucine (I) at amino acid position 315 to be replaced by a phenylalanine (F). This variant was not reported in population-based cohorts in the Genome Aggregation Database (gnomAD). This amino acid position is highly conserved in available vertebrate species. This missense alteration is located in a region that has a low rate of benign missense variation (Lek, 2016; Firth, 2009). This alteration is predicted to be deleterious by in silico analysis. Based on insufficient or conflicting evidence, the clinical significance of this alteration remains unclear.

MGZ Medical Genetics Center
Classification: Likely pathogenic for Developmental and epileptic encephalopathy 99. Last evaluated: 2022-02-15. Review status: criteria provided, single submitter. Criteria: ACMG Guidelines, 2015. Collection method: clinical testing. Allele origin: germline. Affected: yes. Observed: 1 variant allele.
Comment: ACMG criteria applied: PS2, PM1, PM2_SUP, PP3

NM_152296.5(ATP1A3):c.943A>T (p.Ile315Phe)

Gene: ATP1A3 (ATPase Na+/K+ transporting subunit alpha 3; minus strand). Cytogenetic location: 19q13.2.
Variant type: single nucleotide variant.
Coding change: c.943A>T on transcript NM_152296.5 (MANE Select); coding-DNA position 943, A replaced by T.
Protein change: p.Ile315Phe; replaces isoleucine 315 with phenylalanine.
Molecular consequence: missense variant.
Genome position (GRCh38, 1-based): chr19:41,984,968, T>A on the plus strand (A>T on the coding strand, the complement: ATP1A3 is on the minus strand). VCF-style: chr19-41984968-T-A. GRCh37 (hg19) VCF-style: chr19-42489120-T-A.
Other names: c.976A>T, p.Ile326Phe (NM_001256213.2); c.982A>T, p.Ile328Phe (NM_001256214.2); c.943A>T (NM_152296.3); short protein forms I315F, I326F, I328F.
Identifiers: ClinVar variation 1709014 (VCV001709014.3), dbSNP rs2514075292, ClinGen allele CA406052312.
Genomic context (GRCh38, chr19:41,984,968, plus strand): 5'-CTGGCCTTACAGTGACAGTGGCCAGCAGACCCTCTGGGACATTGGCCACGATGATGCCGA[T>A]GAGGAAGATGACAGCCTCAAGCCAGGTGTATCCGAGAATGAGGGAGAGGATGAAGAAGGA-3'
Protein context (NP_689509.1, residues 305-325): YTWLEAVIFL[Ile315Phe]GIIVANVPEG